The following is an entry in ClinVar:

NM_020184.4(CNNM4):c.1758G>A (p.Gln586=)

Gene: CNNM4 (cyclin and CBS domain divalent metal cation transport mediator 4; plus strand). Cytogenetic location: 2q11.2.
Variant type: single nucleotide variant.
Coding change: c.1758G>A on transcript NM_020184.4 (MANE Select); coding-DNA position 1758, G replaced by A.
Protein change: p.Gln586=; no amino-acid change (glutamine 586 retained).
Molecular consequence: synonymous variant.
Genome position (GRCh38, 1-based): chr2:96,799,133, G>A. VCF-style: chr2-96799133-G-A. GRCh37 (hg19) VCF-style: chr2-97464870-G-A.
Other names: c.1758G>A (NM_020184.3).
Identifiers: ClinVar variation 1552960 (VCV001552960.9), dbSNP rs1021681500, ClinGen allele CA52453047.
Genomic context (GRCh38, chr2:96,799,133, plus strand): 5'-CCCCTCCCTGATATCAGAGAAGATCCTGCTGCGGCTACTCAAGTACCCAGATGTCATTCA[G>A]GAACTCAAGTTTGACGAGCACAATAAGTACTACGCCCGCCATTACCTGTACACCCGAAAT-3'
Protein context (NP_064569.3, residues 576-596): LRLLKYPDVI[Gln586=]ELKFDEHNKY

ClinVar aggregate classification (germline): Likely benign. Review status: criteria provided, multiple submitters, no conflicts (2 of 4 stars). 2 submissions from 2 submitters: Likely benign (2). Last evaluated 2025-12-18.

Conditions:
CNNM4-related disorder. Also called: CNNM4-related condition.

Allele frequency attached by ClinVar (database versions not stated): gnomAD 0.00001; TOPMed 0.00002.

Submissions (2):

PreventionGenetics, part of Exact Sciences
Classification: Likely benign for CNNM4-related condition. Last evaluated: 2025-12-18. Review status: criteria provided, single submitter. Criteria: ACMG Guidelines, 2015. Collection method: clinical testing. Allele origin: germline.
Comment: This variant is classified as likely benign based on ACMG/AMP sequence variant interpretation guidelines (Richards et al. 2015 PMID: 25741868, with internal and published modifications).

Labcorp Genetics (formerly Invitae), Labcorp
Classification: Likely benign. Last evaluated: 2023-11-27. Review status: criteria provided, single submitter. Criteria: Invitae Variant Classification Sherloc (09022015). Collection method: clinical testing. Allele origin: germline.